The following is an entry in ClinVar:

ClinVar aggregate classification (germline): Conflicting classifications of pathogenicity. Review status: criteria provided, conflicting classifications (1 of 4 stars). 2 submissions from 2 submitters: Uncertain significance (1); Likely benign (1). Last evaluated 2025-04-30.

Conditions:
Short-rib thoracic dysplasia 6 with or without polydactyly (SRTD6). Also called: SHORT-RIB THORACIC DYSPLASIA 6 WITH POLYDACTYLY; Majewski Syndrome; POLYDACTYLY WITH NEONATAL CHONDRODYSTROPHY, TYPE II; SHORT RIB-POLYDACTYLY SYNDROME, TYPE IIA; SHORT-RIB THORACIC DYSPLASIA 6 WITHOUT POLYDACTYLY. Identifiers: MedGen C0024507, MONDO:0009894, OMIM 263520.

Allele frequency attached by ClinVar (database versions not stated): gnomAD exomes below 0.00001.
gnomAD v4.1: 2 of 1,589,802 alleles (0.00013%); highest among the groups gnomAD compares: Non-Finnish European, 0.00017%; no homozygotes.

Submissions (2):

Women's Health and Genetics/Laboratory Corporation of America, LabCorp
Classification: Uncertain significance. Last evaluated: 2025-04-30. Review status: criteria provided, single submitter. Criteria: LabCorp Variant Classification Summary - May 2015. Collection method: clinical testing. Allele origin: germline.
Comment: Variant summary: NEK1 c.1924-5T>A alters a nucleotide located at a position not widely known to affect splicing. Several computational tools predict a significant impact on normal splicing: Two predict the variant weakens a 3' acceptor site. One predict the variant abolishes a 3' acceptor site. One predict the variant no significant impact on splicing. However, these predictions have yet to be confirmed by functional studies. The variant allele was found at a frequency of 1.3e-06 in 1589802 control chromosomes. The available data on variant occurrences in the general population are insufficient to allow any conclusion about variant significance. To our knowledge, no occurrence of c.1924-5T>A in individuals affected with Amyotrophic Lateral Sclerosis, Susceptibility To, 24 and no experimental evidence demonstrating its impact on protein function have been reported. ClinVar contains an entry for this variant (Variation ID: 2723242). Based on the evidence outlined above, the variant was classified as uncertain significance.

Labcorp Genetics (formerly Invitae), Labcorp
Classification: Likely benign for Short-rib thoracic dysplasia 6 with or without polydactyly. Last evaluated: 2024-01-17. Review status: criteria provided, single submitter. Criteria: Invitae Variant Classification Sherloc (09022015). Collection method: clinical testing. Allele origin: germline.

NM_001199397.3(NEK1):c.2008-5T>A

Gene: NEK1 (NIMA related kinase 1; minus strand). Cytogenetic location: 4q33.
Variant type: single nucleotide variant.
Coding change: c.2008-5T>A on transcript NM_001199397.3 (MANE Select); 5 bases into the intron before coding-DNA position 2008, T replaced by A.
Molecular consequence: intron variant.
Genome position (GRCh38, 1-based): chr4:169,479,539, A>T on the plus strand (T>A on the coding strand, the complement: NEK1 is on the minus strand). VCF-style: chr4-169479539-A-T. GRCh37 (hg19) VCF-style: chr4-170400690-A-T.
Other names: c.1702-5T>A (NM_001374421.1); c.1873-5T>A (NM_001374420.1); c.1717-5T>A (NM_001199399.3); c.1876-5T>A (NM_001199398.3); c.1924-5T>A (NM_001374419.1, NM_012224.4); c.1792-5T>A (NM_001199400.3); c.2008-5T>A (NM_001374418.1).
Identifiers: ClinVar variation 2723242 (VCV002723242.7), dbSNP rs2546393089, ClinGen allele CA2578232002.